The following is an entry in ClinVar:

NM_000264.5(PTCH1):c.1048A>T (p.Ser350Cys)

Gene: PTCH1 (patched 1; minus strand). Cytogenetic location: 9q22.32.
Variant type: single nucleotide variant.
Coding change: c.1048A>T on transcript NM_000264.5 (MANE Select); coding-DNA position 1048, A replaced by T.
Protein change: p.Ser350Cys; replaces serine 350 with cysteine.
Molecular consequence: missense variant. On other transcripts: non-coding transcript variant (1).
Genome position (GRCh38, 1-based): chr9:95,479,988, T>A on the plus strand (A>T on the coding strand, the complement: PTCH1 is on the minus strand). VCF-style: chr9-95479988-T-A. GRCh37 (hg19) VCF-style: chr9-98242270-T-A.
Other names: c.1048A>T, p.Ser350Cys (NM_001354918.2); c.850A>T, p.Ser284Cys (NM_001083602.3); c.1045A>T, p.Ser349Cys (NM_001083603.3); c.595A>T, p.Ser199Cys (NM_001083604.3, NM_001083605.3, NM_001083606.3 and 1 more transcripts); short protein forms S349C, S350C, S199C, S284C.
Identifiers: ClinVar variation 1422499 (VCV001422499.6), dbSNP rs2118388571, ClinGen allele CA374119595.

ClinVar aggregate classification (germline): Uncertain significance (1 of 4 stars; one submission).

Conditions:
Gorlin syndrome. Also called: Nevoid Basal Cell Carcinoma Syndrome; Basal cell nevus syndrome. Identifiers: Orphanet 377, MedGen C0004779, MONDO:0007187.

Submission:

Labcorp Genetics (formerly Invitae), Labcorp
Classification: Uncertain significance for Gorlin syndrome. Last evaluated: 2021-10-23. Review status: criteria provided, single submitter. Criteria: Invitae Variant Classification Sherloc (09022015). Collection method: clinical testing. Allele origin: germline.
Comment: This sequence change replaces serine with cysteine at codon 350 of the PTCH1 protein (p.Ser350Cys). The serine residue is weakly conserved and there is a moderate physicochemical difference between serine and cysteine. This variant is not present in population databases (ExAC no frequency). This variant has not been reported in the literature in individuals affected with PTCH1-related conditions. Advanced modeling of protein sequence and biophysical properties (such as structural, functional, and spatial information, amino acid conservation, physicochemical variation, residue mobility, and thermodynamic stability) performed at Invitae indicates that this missense variant is not expected to disrupt PTCH1 protein function. In summary, the available evidence is currently insufficient to determine the role of this variant in disease. Therefore, it has been classified as a Variant of Uncertain Significance.